The following is an entry in ClinVar:

NM_005548.3(KARS1):c.309C>G (p.Ile103Met)

Gene: KARS1 (lysyl-tRNA synthetase 1; minus strand). Cytogenetic location: 16q23.1.
Variant type: single nucleotide variant.
Coding change: c.309C>G on transcript NM_005548.3 (MANE Select); coding-DNA position 309, C replaced by G.
Protein change: p.Ile103Met; replaces isoleucine 103 with methionine.
Molecular consequence: missense variant. On other transcripts: 5 prime UTR variant (1).
Genome position (GRCh38, 1-based): chr16:75,640,263, G>C on the plus strand (C>G on the coding strand, the complement: KARS1 is on the minus strand). VCF-style: chr16-75640263-G-C. GRCh37 (hg19) VCF-style: chr16-75674161-G-C.
Other names: p.Ile131Met; c.393C>G, p.Ile131Met (NM_001130089.2); c.-160C>G (NM_001378148.1); short protein forms I103M, I131M.
Identifiers: ClinVar variation 2957205 (VCV002957205.4), dbSNP rs199833875, ClinGen allele CA8177674.

ClinVar aggregate classification (germline): Likely benign. Review status: criteria provided, multiple submitters, no conflicts (2 of 4 stars). 2 submissions from 2 submitters: Likely benign (2). Last evaluated 2025-09-05.

Allele frequency attached by ClinVar (database versions not stated): TOPMed 0.00006; ESP Exome Variant Server 0.00008; gnomAD 0.00028; ExAC 0.00061.
gnomAD v4.1: 353 of 1,613,390 alleles (0.022%); highest among the groups gnomAD compares: Non-Finnish European, 0.0088%; 1 homozygote.

Submissions (2):

Mayo Clinic Laboratories, Mayo Clinic
Classification: Likely benign. Last evaluated: 2025-09-05. Review status: criteria provided, single submitter. Criteria: ACMG Guidelines, 2015. Collection method: clinical testing. Allele origin: germline. Observed: 2 variant alleles.
Comment: BS1, BP4_moderate

Labcorp Genetics (formerly Invitae), Labcorp
Classification: Likely benign. Last evaluated: 2023-10-16. Review status: criteria provided, single submitter. Criteria: Invitae Variant Classification Sherloc (09022015). Collection method: clinical testing. Allele origin: germline.